The following is an entry in ClinVar:

NM_000088.4(COL1A1):c.2588G>A (p.Gly863Asp)

Gene: COL1A1 (collagen type I alpha 1 chain; minus strand). Cytogenetic location: 17q21.33.
Variant type: single nucleotide variant.
Coding change: c.2588G>A on transcript NM_000088.4 (MANE Select); coding-DNA position 2588, G replaced by A.
Protein change: p.Gly863Asp; replaces glycine 863 with aspartic acid.
Molecular consequence: missense variant.
Genome position (GRCh38, 1-based): chr17:50,189,884, C>T on the plus strand (G>A on the coding strand, the complement: COL1A1 is on the minus strand). VCF-style: chr17-50189884-C-T. GRCh37 (hg19) VCF-style: chr17-48267245-C-T.
Other names: short protein forms G863D.
Identifiers: ClinVar variation 993927 (VCV000993927.9), dbSNP rs886043749, ClinGen allele CA400207276.
Genomic context (GRCh38, chr17:50,189,884, plus strand): 5'-GGGAGAGGCTCAACAGAGAGGCGGGTGATACTCACAGGGGGACCAGCGCTGCCGCGAGCA[C>T]CTTTGGCTCCAGGAGCACCAACATTACCCTGTAGGAGAGCACAGAGGCATCAAGCCTGGA-3'
Protein context (NP_000079.2, residues 853-873): IGNVGAPGAK[Gly863Asp]ARGSAGPPGA

ClinVar aggregate classification (germline): Pathogenic/Likely pathogenic. Review status: criteria provided, multiple submitters, no conflicts (2 of 4 stars). 2 submissions from 2 submitters: Pathogenic (1); Likely pathogenic (1). Last evaluated 2022-04-28.

Conditions:
COL1A1-related disorder. Also called: COL1A1- related disease; COL1A1-related condition.

Submissions (2):

Blueprint Genetics
Classification: Pathogenic for COL1A1-related disorders. Last evaluated: 2022-04-28. Review status: criteria provided, single submitter. Criteria: ACMG Guidelines, 2015. Collection method: clinical testing. Allele origin: de novo. Affected: yes. Observed: 1 variant allele.

ARUP Laboratories, Molecular Genetics and Genomics, ARUP Laboratories
Classification: Likely pathogenic. Last evaluated: 2020-07-06. Review status: criteria provided, single submitter. Criteria: ARUP Molecular Germline Variant Investigation Process. Collection method: clinical testing. Allele origin: germline.
Comment: The COL1A1 c.2588G>A; p.Gly863Asp variant, to our knowledge, is not reported in the medical literature or gene specific databases. This variant is also absent from general population databases (Exome Variant Server, Genome Aggregation Database), indicating it is not a common polymorphism. This codon is located in a triple helix repeat domain, and glycine substitutions are the most frequent pathogenic alterations in this region (Ben Amor 2011). Additionally, another variant at this codon, c.2588G>T, p p.Gly863Val, has been reported in individuals with osteogenesis imperfecta (Pyott, 2011). Based on available information, the p.Gly863Asp variant is considered to be likely pathogenic.